The following is an entry in ClinVar:

NM_000352.6(ABCC8):c.3651-4C>G

Gene: ABCC8 (ATP binding cassette subfamily C member 8; minus strand). Cytogenetic location: 11p15.1.
Variant type: single nucleotide variant.
Coding change: c.3651-4C>G on transcript NM_000352.6 (MANE Select); 4 bases into the intron before coding-DNA position 3651, C replaced by G.
Molecular consequence: intron variant.
Genome position (GRCh38, 1-based): chr11:17,398,445, G>C on the plus strand (C>G on the coding strand, the complement: ABCC8 is on the minus strand). VCF-style: chr11-17398445-G-C. GRCh37 (hg19) VCF-style: chr11-17419992-G-C.
Other names: c.3648-4C>G (NM_001351297.2); c.3651-4C>G (NM_001351296.2); c.3717-4C>G (NM_001351295.2); c.3654-4C>G (NM_001287174.3).
Identifiers: ClinVar variation 989963 (VCV000989963.7), dbSNP rs1954058406, ClinGen allele CA1139661850.

ClinVar aggregate classification (germline): Conflicting classifications of pathogenicity. Review status: criteria provided, conflicting classifications (1 of 4 stars). 4 submissions from 3 submitters: Uncertain significance (2); Likely benign (1). 1 of the submissions does not count toward it. Last evaluated 2023-04-26.

Conditions:
Maturity-onset diabetes of the young (MODY). Also called: Maturity onset diabetes mellitus in young. Identifiers: Orphanet 552, MedGen C0342276, MONDO:0018911, HP:0004904.
Transitory neonatal diabetes mellitus. Also called: Transient neonatal diabetes mellitus. Identifiers: MedGen C0342273, MONDO:0020525, HP:0008255.
Hereditary hyperinsulinism.

gnomAD v4.1: 1 of 1,614,042 alleles (0.000062%); no homozygotes.

Submissions (4):

Labcorp Genetics (formerly Invitae), Labcorp
Classification: Likely benign. Last evaluated: 2023-04-26. Review status: criteria provided, single submitter. Criteria: Invitae Variant Classification Sherloc (09022015). Collection method: clinical testing. Allele origin: germline.

Clinical Genomics, Uppaluri K&H Personalized Medicine Clinic
Classification: Uncertain significance for Maturity-onset diabetes of the young. Review status: criteria provided, single submitter. Criteria: K & H Uppaluri Personalized Medicine Clinic Variant Classification & Assertion Criteria_Updated V.1. Collection method: research. Allele origin: somatic. Inheritance: Somatic mutation.
Comment: Mutations in ABCC8 gene are associated with both neonatal diabetes mellitus as well as MODY. Patients with this mutation may have a better response to sulfonylureas. However, no sufficient evidence is found to ascertain the role of this particular variant (rs1954058406) in MODY yet.

Clinical Genomics, Uppaluri K&H Personalized Medicine Clinic
Classification: Uncertain significance for Transitory neonatal diabetes mellitus. Review status: criteria provided, single submitter. Criteria: K & H Uppaluri Personalized Medicine Clinic Variant Classification & Assertion Criteria_Updated V.1. Collection method: research. Allele origin: somatic. Inheritance: Somatic mutation.
Comment: Mutations in ABCC8 gene are associated with both neonatal diabetes mellitus as well as MODY. Patients with this mutation may have a better response to sulfonylureas. However, no sufficient evidence is found to ascertain the role of this particular variant (rs1954058406) in neonatal diabetes yet.

Natera, Inc.
Classification: Uncertain significance for Hereditary hyperinsulinism. Last evaluated: 2020-04-10. Review status: no assertion criteria provided. Collection method: clinical testing. Allele origin: germline. Not counted in ClinVar's aggregate classification.

Literature cited by the submitters: PubMed 16885549 (cited by Clinical Genomics, Uppaluri K&H Personalized Medicine Clinic); PubMed 21989597 (cited by Clinical Genomics, Uppaluri K&H Personalized Medicine Clinic); PubMed 27538677 (cited by Clinical Genomics, Uppaluri K&H Personalized Medicine Clinic); PubMed 18981553 (cited by Clinical Genomics, Uppaluri K&H Personalized Medicine Clinic); PubMed 32027066 (cited by Clinical Genomics, Uppaluri K&H Personalized Medicine Clinic); PubMed 16613899 (cited by Clinical Genomics, Uppaluri K&H Personalized Medicine Clinic); PubMed 18025408 (cited by Clinical Genomics, Uppaluri K&H Personalized Medicine Clinic); PubMed 32792356 (cited by Clinical Genomics, Uppaluri K&H Personalized Medicine Clinic).